The following is an entry in ClinVar:

ClinVar aggregate classification (germline): Likely pathogenic (1 of 4 stars; one submission).

Allele frequency attached by ClinVar (database versions not stated): gnomAD 0.00001.
gnomAD v4.1: 1 of 1,604,120 alleles (0.000062%); highest among the groups gnomAD compares: African/African-American, 0.0013%; no homozygotes.

Submission:

Mayo Clinic Laboratories, Mayo Clinic
Classification: Likely pathogenic. Last evaluated: 2022-02-25. Review status: criteria provided, single submitter. Criteria: ACMG Guidelines, 2015. Collection method: clinical testing. Allele origin: germline. Observed: 1 variant allele.
Comment: PP3, PM1, PM2, PM5

NM_000512.5(GALNS):c.865A>T (p.Asn289Tyr)

Gene: GALNS (galactosamine (N-acetyl)-6-sulfatase; minus strand). Cytogenetic location: 16q24.3.
Variant type: single nucleotide variant.
Coding change: c.865A>T on transcript NM_000512.5 (MANE Select); coding-DNA position 865, A replaced by T.
Protein change: p.Asn289Tyr; replaces asparagine 289 with tyrosine.
Molecular consequence: missense variant.
Genome position (GRCh38, 1-based): chr16:88,835,246, T>A on the plus strand (A>T on the coding strand, the complement: GALNS is on the minus strand). VCF-style: chr16-88835246-T-A. GRCh37 (hg19) VCF-style: chr16-88901654-T-A.
Other names: p.Asn289Tyr; c.310A>T, p.Asn104Tyr (NM_001323543.2); c.883A>T, p.Asn295Tyr (NM_001323544.2); short protein forms N104Y, N289Y, N295Y.
Identifiers: ClinVar variation 2683629 (VCV002683629.1), dbSNP rs1314520034, ClinGen allele CA397076049.